The following is an entry in ClinVar:

NM_001854.4(COL11A1):c.2557-1G>A

Gene: COL11A1 (collagen type XI alpha 1 chain; minus strand). Cytogenetic location: 1p21.1.
Variant type: single nucleotide variant.
Coding change: c.2557-1G>A on transcript NM_001854.4 (MANE Select); the canonical splice acceptor site of the intron before coding-DNA position 2557, G replaced by A.
Molecular consequence: splice acceptor variant.
Genome position (GRCh38, 1-based): chr1:102,979,436, C>T on the plus strand (G>A on the coding strand, the complement: COL11A1 is on the minus strand). VCF-style: chr1-102979436-C-T. GRCh37 (hg19) VCF-style: chr1-103444992-C-T.
Other names: c.2440-1G>A (NM_001190709.2); c.2593-1G>A (NM_080629.3); c.2209-1G>A (NM_080630.4).
Identifiers: ClinVar variation 4293736 (VCV004293736.1).

ClinVar aggregate classification (germline): Likely pathogenic (1 of 4 stars; one submission).

Conditions:
Marshall syndrome (MRSHS). Identifiers: Orphanet 560, MedGen C0265235, MONDO:0007949, OMIM 154780.

Submission:

3billion
Classification: Likely pathogenic for Marshall syndrome. Last evaluated: 2024-12-31. Review status: criteria provided, single submitter. Criteria: ACMG Guidelines, 2015. Collection method: clinical testing. Allele origin: germline. Affected: yes.
Comment: The variant is not observed in the gnomAD v4.1.0 dataset. Predicted Consequence/Location: Canonical splice site: predicted to alter splicing and result in a loss or disruption of normal protein function. Multiple pathogenic loss-of-function variants are reported downstream of the variant. In silico tools predict the variant to alter splicing and produce an abnormal transcript [SpliceAI: 0.94 (spliceogenicity >=0.2, non-spliceogenicity <0.1)]. Therefore, this variant is classified as Likely pathogenic according to the recommendation of ACMG/AMP guideline.